The following is an entry in ClinVar:

NM_032730.5(RTN4IP1):c.574A>G (p.Ile192Val)

Gene: RTN4IP1 (reticulon 4 interacting protein 1; minus strand). Cytogenetic location: 6q21.
Variant type: single nucleotide variant.
Coding change: c.574A>G on transcript NM_032730.5 (MANE Select); coding-DNA position 574, A replaced by G.
Protein change: p.Ile192Val; replaces isoleucine 192 with valine.
Molecular consequence: missense variant.
Genome position (GRCh38, 1-based): chr6:106,619,248, T>C on the plus strand (A>G on the coding strand, the complement: RTN4IP1 is on the minus strand). VCF-style: chr6-106619248-T-C. GRCh37 (hg19) VCF-style: chr6-107067123-T-C.
Other names: c.274A>G, p.Ile92Val (NM_001318746.1); short protein forms I192V, I92V.
Identifiers: ClinVar variation 1499520 (VCV001499520.7), dbSNP rs1433175586, ClinGen allele CA365163516.

ClinVar aggregate classification (germline): Uncertain significance (1 of 4 stars; one submission).

Allele frequency attached by ClinVar (database versions not stated): gnomAD exomes 0.00001; TOPMed 0.00001.
gnomAD v4.1: 5 of 1,614,228 alleles (0.00031%); highest among the groups gnomAD compares: East Asian, 0.0022%; no homozygotes.

Submission:

Labcorp Genetics (formerly Invitae), Labcorp
Classification: Uncertain significance. Last evaluated: 2023-07-07. Review status: criteria provided, single submitter. Criteria: Invitae Variant Classification Sherloc (09022015). Collection method: clinical testing. Allele origin: germline.
Comment: In summary, the available evidence is currently insufficient to determine the role of this variant in disease. Therefore, it has been classified as a Variant of Uncertain Significance. Advanced modeling of protein sequence and biophysical properties (such as structural, functional, and spatial information, amino acid conservation, physicochemical variation, residue mobility, and thermodynamic stability) performed at Invitae indicates that this missense variant is not expected to disrupt RTN4IP1 protein function. ClinVar contains an entry for this variant (Variation ID: 1499520). This variant has not been reported in the literature in individuals affected with RTN4IP1-related conditions. This variant is present in population databases (no rsID available, gnomAD 0.006%). This sequence change replaces isoleucine, which is neutral and non-polar, with valine, which is neutral and non-polar, at codon 192 of the RTN4IP1 protein (p.Ile192Val).